The following is an entry in ClinVar:

NM_003126.4(SPTA1):c.4980+4A>G

Gene: SPTA1 (spectrin alpha, erythrocytic 1; minus strand). Cytogenetic location: 1q23.1.
Variant type: single nucleotide variant.
Coding change: c.4980+4A>G on transcript NM_003126.4 (MANE Select); 4 bases into the intron after coding-DNA position 4980, A replaced by G.
Molecular consequence: intron variant.
Genome position (GRCh38, 1-based): chr1:158,639,578, T>C on the plus strand (A>G on the coding strand, the complement: SPTA1 is on the minus strand). VCF-style: chr1-158639578-T-C. GRCh37 (hg19) VCF-style: chr1-158609368-T-C.
Identifiers: ClinVar variation 3766953 (VCV003766953.2).

ClinVar aggregate classification (germline): Uncertain significance. Review status: criteria provided, multiple submitters, no conflicts (2 of 4 stars). 2 submissions from 2 submitters: Uncertain significance (2). Last evaluated 2025-11-11.

gnomAD v4.1: 36 of 1,613,346 alleles (0.0022%); highest among the groups gnomAD compares: Non-Finnish European, 0.0029%; no homozygotes.

Submissions (2):

Labcorp Genetics (formerly Invitae), Labcorp
Classification: Uncertain significance. Last evaluated: 2025-11-11. Review status: criteria provided, single submitter. Criteria: Invitae Variant Classification Sherloc (09022015). Collection method: clinical testing. Allele origin: germline.
Comment: This sequence change falls in intron 35 of the SPTA1 gene. It does not directly change the encoded amino acid sequence of the SPTA1 protein. It affects a nucleotide within the consensus splice site. This variant is present in population databases (no rsID available, gnomAD 0.01%). This variant has not been reported in the literature in individuals affected with SPTA1-related conditions. ClinVar contains an entry for this variant (Variation ID: 3766953). Variants that disrupt the consensus splice site are a relatively common cause of aberrant splicing (PMID: 17576681, 9536098). Algorithms developed to predict the effect of sequence changes on RNA splicing suggest that this variant is not likely to affect RNA splicing. In summary, the available evidence is currently insufficient to determine the role of this variant in disease. Therefore, it has been classified as a Variant of Uncertain Significance.

ARUP Laboratories, Molecular Genetics and Genomics, ARUP Laboratories
Classification: Uncertain significance. Last evaluated: 2024-11-01. Review status: criteria provided, single submitter. Criteria: ARUP Molecular Germline Variant Investigation Process 2024. Collection method: clinical testing. Allele origin: germline.
Comment: The SPTA1 c.4980+4A>G variant (rs1021016120), to our knowledge, is not reported in the medical literature or gene specific databases. This variant is only observed on two alleles in the Genome Aggregation Database (v2.1.1), indicating it is not a common polymorphism. This is an intronic variant and computational analyses (Alamut Visual Plus v.1.5.1) predict that this variant does not alter splicing. However, since this variant is located within the minimal splice region, the clinical significance of this variant is uncertain at this time. Due to limited information, the clinical significance of this variant is uncertain at this time.

Literature cited by the submitters: PubMed 17576681 (cited by Labcorp Genetics (formerly Invitae), Labcorp); PubMed 9536098 (cited by Labcorp Genetics (formerly Invitae), Labcorp).